The following is an entry in ClinVar:

NM_024675.4(PALB2):c.113C>T (p.Ala38Val)

Gene: PALB2 (partner and localizer of BRCA2; minus strand). Cytogenetic location: 16p12.2.
Variant type: single nucleotide variant.
Coding change: c.113C>T on transcript NM_024675.4 (MANE Select); coding-DNA position 113, C replaced by T.
Protein change: p.Ala38Val; replaces alanine 38 with valine.
Molecular consequence: missense variant.
Genome position (GRCh38, 1-based): chr16:23,637,948, G>A on the plus strand (C>T on the coding strand, the complement: PALB2 is on the minus strand). VCF-style: chr16-23637948-G-A. GRCh37 (hg19) VCF-style: chr16-23649269-G-A.
Other names: short protein forms A38V.
Identifiers: ClinVar variation 572721 (VCV000572721.19), dbSNP rs371875379, ClinGen allele CA7963837.

ClinVar aggregate classification (germline): Conflicting classifications of pathogenicity. Review status: criteria provided, conflicting classifications (1 of 4 stars). 5 submissions from 5 submitters: Uncertain significance (4); Benign (1). Last evaluated 2025-12-23.

Conditions:
Ovarian cancer. Also called: OVARIAN CANCER, SOMATIC. Identifiers: Orphanet 213500, MedGen C1140680, MONDO:0008170, OMIM 167000.
Hereditary cancer-predisposing syndrome. Also called: Hereditary neoplastic syndrome; Neoplastic Syndromes, Hereditary; Hereditary Cancer Syndrome; Tumor predisposition. Identifiers: Orphanet 140162, MedGen C0027672, MeSH D009386, MONDO:0015356.
Familial cancer of breast. Also called: BREAST CANCER, FAMILIAL; hereditary breast carcinoma; Hereditary breast cancer. Identifiers: Orphanet 227535, MedGen C0346153, MONDO:0016419, OMIM 114480. Disease mechanism: loss of function.
Fanconi anemia complementation group N. Also called: PALB2-Related Fanconi Anemia. Identifiers: Orphanet 84, MedGen C1835817, MONDO:0012565, OMIM 610832. Disease mechanism: loss of function.
Pancreatic cancer, susceptibility to, 3. Identifiers: Orphanet 1333, MedGen C3150547, MONDO:0013236, OMIM 613348.

Allele frequency attached by ClinVar (database versions not stated): gnomAD 0.00001; TOPMed 0.00001; ESP Exome Variant Server 0.00008.
gnomAD v4.1: 3 of 1,613,118 alleles (0.00019%); highest among the groups gnomAD compares: East Asian, 0.0067%; no homozygotes.

Submissions (5):

Labcorp Genetics (formerly Invitae), Labcorp
Classification: Uncertain significance for Familial cancer of breast. Last evaluated: 2025-12-23. Review status: criteria provided, single submitter. Criteria: Invitae Variant Classification Sherloc (09022015). Collection method: clinical testing. Allele origin: germline.
Comment: This sequence change replaces alanine, which is neutral and non-polar, with valine, which is neutral and non-polar, at codon 38 of the PALB2 protein (p.Ala38Val). This variant is present in population databases (rs371875379, gnomAD 0.01%). This variant has not been reported in the literature in individuals affected with PALB2-related conditions. ClinVar contains an entry for this variant (Variation ID: 572721). An algorithm developed to predict the effect of missense changes on protein structure and function (PolyPhen-2) suggests that this variant is likely to be disruptive. Experimental studies have shown that this missense change does not substantially affect PALB2 function (PMID: 33811135). In summary, the available evidence is currently insufficient to determine the role of this variant in disease. Therefore, it has been classified as a Variant of Uncertain Significance.

Color Diagnostics, LLC DBA Color Health
Classification: Uncertain significance for Hereditary cancer-predisposing syndrome. Last evaluated: 2024-11-05. Review status: criteria provided, single submitter. Criteria: ACMG Guidelines, 2015. Collection method: clinical testing. Allele origin: germline.
Comment: This missense variant replaces alanine with valine at codon 38 of the PALB2 protein. Computational prediction suggests that this variant may not impact protein structure and function. A functional study has reported that this variant was functionally normal in a homology-directed repair and in a PARP inhibitor sensitivity assay in Palb2-deficient mouse embryonic stem cells (PMID: 33811135). This variant has been detected in a breast cancer case-control meta-analysis in 0/60466 cases and 1/53461 unaffected individuals (PMID: 33471991; Leiden Open Variation Database DB-ID PALB2_011215). This variant has been identified in 3/282856 chromosomes in the general population by the Genome Aggregation Database (gnomAD). The available evidence is insufficient to determine the role of this variant in disease conclusively. Therefore, this variant is classified as a Variant of Uncertain Significance.

Ambry Genetics
Classification: Uncertain significance for Hereditary cancer-predisposing syndrome. Last evaluated: 2023-05-18. Review status: criteria provided, single submitter. Criteria: Ambry Variant Classification Scheme 2023. Collection method: clinical testing. Allele origin: germline.
Comment: The p.A38V variant (also known as c.113C>T), located in coding exon 3 of the PALB2 gene, results from a C to T substitution at nucleotide position 113. The alanine at codon 38 is replaced by valine, an amino acid with similar properties. This amino acid position is well conserved in available vertebrate species. In addition, this alteration is predicted to be tolerated by in silico analysis. Since supporting evidence is limited at this time, the clinical significance of this alteration remains unclear.

Laboratory of Molecular Epidemiology of Birth Defects, West China Second University Hospital, Sichuan University
Classification: Benign for Ovarian cancer. Last evaluated: 2022-01-01. Review status: criteria provided, single submitter. Criteria: ACMG Guidelines, 2015. Collection method: clinical testing. Allele origin: germline. Affected: yes.

Fulgent Genetics
Classification: Uncertain significance for Familial cancer of breast; Fanconi anemia complementation group N; Pancreatic cancer, susceptibility to, 3. Last evaluated: 2021-10-06. Review status: criteria provided, single submitter. Criteria: ACMG Guidelines, 2015. Collection method: clinical testing. Allele origin: unknown.

Literature cited by the submitters: PubMed 33811135 (cited by Labcorp Genetics (formerly Invitae), Labcorp and Color Diagnostics, LLC DBA Color Health); PubMed 33471991 (cited by Color Diagnostics, LLC DBA Color Health).